The following is an entry in ClinVar:

ClinVar aggregate classification (germline): Likely pathogenic (0 of 4 stars; one submission).

Conditions:
TRPS1-related disorder. Also called: TRPS1-related condition.

Submission:

PreventionGenetics, part of Exact Sciences
Classification: Likely pathogenic for TRPS1-related condition. Last evaluated: 2024-03-25. Review status: no assertion criteria provided. Collection method: clinical testing. Allele origin: germline.
Comment: The TRPS1 c.3275delA variant is predicted to result in a frameshift and premature protein termination (p.Asn1092Ilefs*50). To our knowledge, this variant has not been reported in the literature or in a large population database, indicating this variant is rare. Frameshift variants in TRPS1 are expected to be pathogenic. This variant is interpreted as likely pathogenic.

NM_014112.5(TRPS1):c.3275del (p.Asn1092fs)

Gene: TRPS1 (transcriptional repressor GATA binding 1; minus strand). Cytogenetic location: 8q23.3.
Variant type: Deletion.
Coding change: c.3275del on transcript NM_014112.5 (MANE Select); coding-DNA position 3275, one base deleted (A; older notation c.3275delA).
Protein change: p.Asn1092fs; shifts the reading frame from asparagine 1092.
Molecular consequence: frameshift variant.
Genome position (GRCh38, 1-based): chr8:115,414,633, T deleted on the plus strand (A on the coding strand, the reverse complement: TRPS1 is on the minus strand); the first of 3 consecutive T bases (chr8:115,414,633-115,414,635); deleting any one gives the same sequence. VCF-style (leftmost placement, unchanged base first): chr8-115414632-AT-A. GRCh37 (hg19) VCF-style: chr8-116426860-AT-A.
Other names: c.3248del, p.Asn1083fs (NM_001282902.3); c.3254del, p.Asn1085fs (NM_001282903.3); c.3236del, p.Asn1079fs (NM_001330599.2); short protein forms N1079fs, N1083fs, N1085fs, N1092fs.
Identifiers: ClinVar variation 3349308 (VCV003349308.1).